The following is an entry in ClinVar:

NM_000294.3(PHKG2):c.318G>T (p.Val106=)

Gene: PHKG2 (phosphorylase kinase catalytic subunit gamma 2; plus strand). Cytogenetic location: 16p11.2.
Variant type: single nucleotide variant.
Coding change: c.318G>T on transcript NM_000294.3 (MANE Select); coding-DNA position 318, G replaced by T.
Protein change: p.Val106=; no amino-acid change (valine 106 retained).
Molecular consequence: synonymous variant.
Genome position (GRCh38, 1-based): chr16:30,751,595, G>T. VCF-style: chr16-30751595-G-T. GRCh37 (hg19) VCF-style: chr16-30762916-G-T.
Other names: c.318G>T, p.Val106= (NM_001172432.2).
Identifiers: ClinVar variation 318935 (VCV000318935.13), dbSNP rs199743139, ClinGen allele CA8013109.

ClinVar aggregate classification (germline): Conflicting classifications of pathogenicity. Review status: criteria provided, conflicting classifications (1 of 4 stars). 4 submissions from 4 submitters: Uncertain significance (1); Likely benign (3). Last evaluated 2026-07-05.

Conditions:
Glycogen storage disease IXc (GSD9C). Also called: GSD IXc. Identifiers: Orphanet 264580, MedGen C2751643, MONDO:0013091, OMIM 613027.
PHKG2-related disorder. Also called: PHKG2-related condition.

Allele frequency attached by ClinVar (database versions not stated): gnomAD 0.00006 and 0.00008; TOPMed 0.00009; 1000 Genomes Project 30x 0.00016; ExAC 0.00019; 1000 Genomes Project 0.00020; gnomAD exomes 0.00020.

Submissions (4):

PreventionGenetics, part of Exact Sciences
Classification: Likely benign for PHKG2-related condition. Last evaluated: 2026-07-05. Review status: criteria provided, single submitter. Criteria: ACMG Guidelines, 2015. Collection method: clinical testing. Allele origin: germline.
Comment: This variant is classified as likely benign based on ACMG/AMP sequence variant interpretation guidelines (Richards et al. 2015 PMID: 25741868, with internal and published modifications).

Labcorp Genetics (formerly Invitae), Labcorp
Classification: Likely benign for Glycogen storage disease IXc. Last evaluated: 2026-01-28. Review status: criteria provided, single submitter. Criteria: Invitae Variant Classification Sherloc (09022015). Collection method: clinical testing. Allele origin: germline.

Blueprint Genetics
Classification: Likely benign. Last evaluated: 2024-11-14. Review status: criteria provided, single submitter. Criteria: ACMG Guidelines, 2015. Collection method: clinical testing. Allele origin: germline.

Illumina Laboratory Services, Illumina
Classification: Uncertain significance for Glycogen storage disease IXc. Last evaluated: 2018-01-13. Review status: criteria provided, single submitter. Criteria: ICSL Variant Classification Criteria 13 December 2019. Collection method: clinical testing. Allele origin: germline.